The following is an entry in ClinVar:

ClinVar aggregate classification (germline): Benign/Likely benign. Review status: criteria provided, multiple submitters, no conflicts (2 of 4 stars). 6 submissions from 6 submitters: Benign (5); Likely benign (1). Last evaluated 2026-02-01.

Conditions:
Cystinuria (CSNU). Also called: Cystinuria, non-type I; CYSTINURIA, TYPE I; CYSTINURIA, TYPE II; CYSTINURIA, TYPE III. Identifiers: Orphanet 214, MedGen C0010691, MONDO:0009067, OMIM 220100, HP:0003131.

Submissions (6):

Labcorp Genetics (formerly Invitae), Labcorp
Classification: Benign for Cystinuria. Last evaluated: 2026-02-01. Review status: criteria provided, single submitter. Criteria: Invitae Variant Classification Sherloc (09022015). Collection method: clinical testing. Allele origin: germline.

Blueprint Genetics
Classification: Likely benign. Last evaluated: 2024-11-26. Review status: criteria provided, single submitter. Criteria: ACMG Guidelines, 2015. Collection method: clinical testing. Allele origin: germline.

ARUP Laboratories, Molecular Genetics and Genomics, ARUP Laboratories
Classification: Benign for Cystinuria. Last evaluated: 2023-11-29. Review status: criteria provided, single submitter. Criteria: ARUP Molecular Germline Variant Investigation Process 2024. Collection method: clinical testing. Allele origin: germline.

Mayo Clinic Laboratories, Mayo Clinic
Classification: Benign. Last evaluated: 2022-03-09. Review status: criteria provided, single submitter. Criteria: ACMG Guidelines, 2015. Collection method: clinical testing. Allele origin: germline. Observed: 51 variant alleles.

GeneDx
Classification: Benign. Last evaluated: 2020-02-24. Review status: criteria provided, single submitter. Criteria: GeneDx Variant Classification Process June 2021. Collection method: clinical testing. Allele origin: germline. Affected: yes.

Laboratory for Molecular Medicine, Mass General Brigham Personalized Medicine
Classification: Benign. Last evaluated: 2016-03-28. Review status: criteria provided, single submitter. Criteria: LMM Criteria. Collection method: clinical testing. Allele origin: germline.
Comment: Variant identified in a genome or exome case(s) and assessed due to predicted null impact of the variant or pathogenic assertions in the literature or databases. Disclaimer: This variant has not undergone full assessment. The following are preliminary notes: Frequency in 1000Genomes: 242/2178=11.1%

NM_000341.4(SLC3A1):c.1136+3del

Gene: SLC3A1 (solute carrier family 3 member 1; plus strand). Cytogenetic location: 2p21.
Variant type: Deletion.
Coding change: c.1136+3del on transcript NM_000341.4 (MANE Select); 3 bases into the intron after coding-DNA position 1136, one base deleted (T; older notation c.1136+3delT).
Molecular consequence: splice donor variant.
Genome position (GRCh38, 1-based): chr2:44,301,130, T deleted; the last of 2 consecutive T bases (chr2:44,301,129-44,301,130); deleting either gives the same sequence. VCF-style (leftmost placement, unchanged base first): chr2-44301128-GT-G. GRCh37 (hg19) VCF-style: chr2-44528267-GT-G.
Other names: c.1136+3delT (NM_000341.3).
Identifiers: ClinVar variation 336199 (VCV000336199.28), dbSNP rs796262035, ClinGen allele CA1640426.